The following is an entry in ClinVar:

NM_000426.4(LAMA2):c.3925-6T>A

Gene: LAMA2 (laminin subunit alpha 2; plus strand). Cytogenetic location: 6q22.33.
Variant type: single nucleotide variant.
Coding change: c.3925-6T>A on transcript NM_000426.4 (MANE Select); 6 bases into the intron before coding-DNA position 3925, T replaced by A.
Molecular consequence: intron variant.
Genome position (GRCh38, 1-based): chr6:129,316,032, T>A. VCF-style: chr6-129316032-T-A. GRCh37 (hg19) VCF-style: chr6-129637177-T-A.
Other names: c.3925-6T>A (NM_001079823.2).
Identifiers: ClinVar variation 477465 (VCV000477465.23), dbSNP rs372612467, ClinGen allele CA3993395.

ClinVar aggregate classification (germline): Benign/Likely benign. Review status: criteria provided, multiple submitters, no conflicts (2 of 4 stars). 5 submissions from 5 submitters: Benign (1); Likely benign (4). Last evaluated 2026-02-01.

Conditions:
Congenital muscular dystrophy due to partial LAMA2 deficiency. Identifiers: MedGen C1842898.
LAMA2-related muscular dystrophy (LAMA2-RD). Also called: Laminin alpha 2-related dystrophy. Identifiers: MedGen C5679788, MONDO:0100228.

Allele frequency attached by ClinVar (database versions not stated): gnomAD below 0.00001 and 0.00038; TOPMed 0.00004; gnomAD exomes 0.00091; ExAC 0.00110; 1000 Genomes Project 30x 0.00234; 1000 Genomes Project 0.00240.
gnomAD v4.1: 679 of 1,614,066 alleles (0.042%); highest among the groups gnomAD compares: South Asian, 0.72%; 7 homozygotes.

Submissions (5):

Labcorp Genetics (formerly Invitae), Labcorp
Classification: Benign for LAMA2-related muscular dystrophy. Last evaluated: 2026-02-01. Review status: criteria provided, single submitter. Criteria: Invitae Variant Classification Sherloc (09022015). Collection method: clinical testing. Allele origin: germline.

CeGaT Center for Human Genetics Tuebingen
Classification: Likely benign. Last evaluated: 2026-01-01. Review status: criteria provided, single submitter. Criteria: CeGaT Center For Human Genetics Tuebingen Variant Classification Criteria Version 2. Collection method: clinical testing. Allele origin: germline. Affected: yes. Observed: 1 variant allele.
Comment: LAMA2: BP4

Blueprint Genetics
Classification: Likely benign. Last evaluated: 2024-04-10. Review status: criteria provided, single submitter. Criteria: ACMG Guidelines, 2015. Collection method: clinical testing. Allele origin: germline.

Illumina Laboratory Services, Illumina
Classification: Likely benign for Congenital muscular dystrophy due to partial LAMA2 deficiency. Last evaluated: 2018-01-12. Review status: criteria provided, single submitter. Criteria: ICSL Variant Classification Criteria 13 December 2019. Collection method: clinical testing. Allele origin: germline.
Comment: This variant was observed in the ICSL laboratory as part of a predisposition screen in an ostensibly healthy population. It had not been previously curated by ICSL or reported in the Human Gene Mutation Database (HGMD: prior to June 1st, 2018), and was therefore a candidate for classification through an automated scoring system. Utilizing variant allele frequency, disease prevalence and penetrance estimates, and inheritance mode, an automated score was calculated to assess if this variant is too frequent to cause the disease. Based on the score and internal cut-off values, a variant classified as likely benign is not then subjected to further curation. The score for this variant resulted in a classification of likely benign for this disease.

Genetic Services Laboratory, University of Chicago
Classification: Likely benign. Last evaluated: 2017-08-07. Review status: criteria provided, single submitter. Criteria: ACMG Guidelines, 2015. Collection method: clinical testing. Allele origin: germline. Affected: no.